The following is an entry in ClinVar:

NM_001370259.2(MEN1):c.1026G>A (p.Ala342=)

Gene: MEN1 (menin 1; minus strand). Cytogenetic location: 11q13.1.
Variant type: single nucleotide variant.
Coding change: c.1026G>A on transcript NM_001370259.2 (MANE Select); coding-DNA position 1026, G replaced by A.
Protein change: p.Ala342=; no amino-acid change (alanine 342 retained).
Molecular consequence: synonymous variant.
Genome position (GRCh38, 1-based): chr11:64,806,255, C>T on the plus strand (G>A on the coding strand, the complement: MEN1 is on the minus strand). VCF-style: chr11-64806255-C-T. GRCh37 (hg19) VCF-style: chr11-64573727-C-T.
Other names: c.1041G>A, p.Ala347= (NM_000244.4, NM_130800.3, NM_130801.3 and 3 more transcripts); c.1026G>A, p.Ala342= (NM_001370251.2, NM_001370260.2, NM_001370261.2 and 1 more transcripts); c.921G>A, p.Ala307= (NM_001370262.2, NM_001370263.2).
Identifiers: ClinVar variation 241795 (VCV000241795.42), dbSNP rs878855184, ClinGen allele CA10582935.

ClinVar aggregate classification (germline): Benign/Likely benign. Review status: criteria provided, multiple submitters, no conflicts (2 of 4 stars). 6 submissions from 6 submitters: Benign (1); Likely benign (5). Last evaluated 2026-01-30.

Conditions:
Hereditary cancer-predisposing syndrome. Also called: Tumor predisposition; Hereditary Cancer Syndrome; Neoplastic Syndromes, Hereditary; Hereditary neoplastic syndrome. Identifiers: Orphanet 140162, MedGen C0027672, MeSH D009386, MONDO:0015356.
Multiple endocrine neoplasia, type 1 (MEN1). Also called: Endocrine adenomatosis multiple; MEN 1; MEN I; WERMER SYNDROME; MEA I. Identifiers: Orphanet 652, MedGen C0025267, MeSH D018761, MONDO:0007540, OMIM 131100.

Allele frequency attached by ClinVar (database versions not stated): gnomAD 0.00001; gnomAD exomes 0.00001 and 0.00002; TOPMed 0.00003.
gnomAD v4.1: 24 of 1,614,056 alleles (0.0015%); highest among the groups gnomAD compares: South Asian, 0.0022%; no homozygotes.

Submissions (6):

Labcorp Genetics (formerly Invitae), Labcorp
Classification: Likely benign for Multiple endocrine neoplasia, type 1. Last evaluated: 2026-01-30. Review status: criteria provided, single submitter. Criteria: Invitae Variant Classification Sherloc (09022015). Collection method: clinical testing. Allele origin: germline.

CeGaT Center for Human Genetics Tuebingen
Classification: Likely benign. Last evaluated: 2025-07-01. Review status: criteria provided, single submitter. Criteria: CeGaT Center For Human Genetics Tuebingen Variant Classification Criteria Version 2. Collection method: clinical testing. Allele origin: germline. Affected: yes. Observed: 5 variant alleles.
Comment: MEN1: BP4, BP7

Myriad Genetics, Inc.
Classification: Benign for Multiple endocrine neoplasia, type 1. Last evaluated: 2024-11-04. Review status: criteria provided, single submitter. Criteria: Myriad Autosomal Dominant, Autosomal Recessive and X-Linked Classification Criteria (2023). Collection method: clinical testing. Allele origin: unknown.
Comment: This variant is considered benign. This variant is a silent/synonymous amino acid change and it is not expected to impact splicing.

All of Us Research Program, National Institutes of Health
Classification: Likely benign for Multiple endocrine neoplasia, type 1. Last evaluated: 2023-11-28. Review status: criteria provided, single submitter. Criteria: ACMG Guidelines, 2015. Collection method: clinical testing. Allele origin: germline. Inheritance: Autosomal dominant inheritance. Observed: 6 variant alleles, 6 heterozygotes.
Comment: This study involves interpretation of variants in research participants for the purpose of population health screening. Participant phenotype was not available at the time of variant classification. Additional details can be found in publication PMID: 35346344, PMCID: PMC8962531

Color Diagnostics, LLC DBA Color Health
Classification: Likely benign for Multiple endocrine neoplasia, type 1. Last evaluated: 2022-07-20. Review status: criteria provided, single submitter. Criteria: ACMG Guidelines, 2015. Collection method: clinical testing. Allele origin: germline.

Ambry Genetics
Classification: Likely benign for Hereditary cancer-predisposing syndrome. Last evaluated: 2015-07-28. Review status: criteria provided, single submitter. Criteria: Ambry Variant Classification Scheme 2023. Collection method: clinical testing. Allele origin: germline.

Literature cited by the submitters: PubMed 23933118 (cited by Ambry Genetics).